The following is an entry in ClinVar:

ClinVar aggregate classification (germline): Likely pathogenic (1 of 4 stars; one submission).

Conditions:
Roberts-SC phocomelia syndrome (RBS). Also called: Pseudothalidomide syndrome; Appelt-Gerken-Lenz syndrome; Hypomelia hypotrichosis facial hemangioma syndrome; LONG BONE DEFICIENCIES ASSOCIATED WITH CLEFT LIP-PALATE; ESCO2 Spectrum Disorder. Identifiers: Orphanet 3103, MedGen C0392475, MONDO:0100253, OMIM 268300.

Submission:

Natera, Inc.
Classification: Likely pathogenic for Roberts syndrome. Last evaluated: 2026-01-04. Review status: criteria provided, single submitter. Criteria: Natera Variant Classification Schema (03/2026). Collection method: clinical testing. Allele origin: germline.
Comment: The c.1432dup variant in ESCO2 is a frameshift variant predicted to shift the reading frame beginning at codon 478 and leads to a stop codon 7 codons downstream. This variant is expected to result in nonsense mediated decay, truncation, or a dysfunctional protein product. This variant is rare in the general population with a frequency below the threshold expected for the associated phenotype(s). Given the available evidence, this variant is classified as Likely Pathogenic.

NM_001017420.3(ESCO2):c.1432dup (p.Thr478fs)

Gene: ESCO2 (establishment of sister chromatid cohesion N-acetyltransferase 2; plus strand). Cytogenetic location: 8p21.1.
Variant type: Duplication.
Coding change: c.1432dup on transcript NM_001017420.3 (MANE Select); coding-DNA position 1432, one base duplicated (A; older notation c.1432dupA).
Protein change: p.Thr478fs; shifts the reading frame from threonine 478.
Molecular consequence: frameshift variant.
Genome position (GRCh38, 1-based): chr8:27,792,746, A duplicated; the last of 5 consecutive A bases (chr8:27,792,742-27,792,746); duplicating any one gives the same sequence. VCF-style (leftmost placement, unchanged base first): chr8-27792741-T-TA. GRCh37 (hg19) VCF-style: chr8-27650258-T-TA.
Other names: short protein forms T478fs.
Identifiers: ClinVar variation 4814527 (VCV004814527.1).
Genomic context (GRCh38, chr8:27,792,741, plus strand): 5'-AAGAACTTGTTGATAATGAATTGGGCTTCCAGCAAGTTGTTCCTAAATGTCCAAACAAAA[T>TA]AAAAACTTTTCTTTTTATATCTGATGAAAAGAGAGTAGTTGGGTGTTTAATTGCAGAACC-3'